The following is an entry in ClinVar:

NM_001845.6(COL4A1):c.463A>G (p.Met155Val)

Gene: COL4A1 (collagen type IV alpha 1 chain; minus strand). Cytogenetic location: 13q34.
Variant type: single nucleotide variant.
Coding change: c.463A>G on transcript NM_001845.6 (MANE Select); coding-DNA position 463, A replaced by G.
Protein change: p.Met155Val; replaces methionine 155 with valine.
Molecular consequence: missense variant.
Genome position (GRCh38, 1-based): chr13:110,211,652, T>C on the plus strand (A>G on the coding strand, the complement: COL4A1 is on the minus strand). VCF-style: chr13-110211652-T-C. GRCh37 (hg19) VCF-style: chr13-110863999-T-C.
Other names: c.463A>G, p.Met155Val (NM_001303110.2); short protein forms M155V.
Identifiers: ClinVar variation 3002647 (VCV003002647.3), dbSNP rs1879800684, ClinGen allele CA388726051.

ClinVar aggregate classification (germline): Uncertain significance (1 of 4 stars; one submission).

Submission:

Labcorp Genetics (formerly Invitae), Labcorp
Classification: Uncertain significance. Last evaluated: 2023-12-25. Review status: criteria provided, single submitter. Criteria: Invitae Variant Classification Sherloc (09022015). Collection method: clinical testing. Allele origin: germline.
Comment: This sequence change replaces methionine, which is neutral and non-polar, with valine, which is neutral and non-polar, at codon 155 of the COL4A1 protein (p.Met155Val). This variant is not present in population databases (gnomAD no frequency). This variant has not been reported in the literature in individuals affected with COL4A1-related conditions. Advanced modeling of protein sequence and biophysical properties (such as structural, functional, and spatial information, amino acid conservation, physicochemical variation, residue mobility, and thermodynamic stability) performed at Invitae indicates that this missense variant is not expected to disrupt COL4A1 protein function with a negative predictive value of 95%. In summary, the available evidence is currently insufficient to determine the role of this variant in disease. Therefore, it has been classified as a Variant of Uncertain Significance.